The following is an entry in ClinVar:

ClinVar aggregate classification (germline): Conflicting classifications of pathogenicity. Review status: criteria provided, conflicting classifications (1 of 4 stars). 5 submissions from 4 submitters: Uncertain significance (4); Likely benign (1). Last evaluated 2026-07-01.

Conditions:
Inborn genetic diseases. Identifiers: MedGen C0950123, MeSH D030342.
Retinitis pigmentosa 39 (RP39). Identifiers: Orphanet 791, MedGen C3151138, MONDO:0013436, OMIM 613809.
Usher syndrome type 2A. Also called: RETINAL DISEASE IN USHER SYNDROME TYPE IIA, MODIFIER OF; USHER SYNDROME, TYPE IIA. Identifiers: Orphanet 231178, Orphanet 886, MedGen C1848634, MONDO:0010169, OMIM 276901.

Allele frequency attached by ClinVar (database versions not stated): gnomAD exomes 0.00002; TOPMed 0.00002; ExAC 0.00007.
gnomAD v4.1: 30 of 1,614,082 alleles (0.0019%); highest among the groups gnomAD compares: East Asian, 0.011%; no homozygotes.

Submissions (5):

CeGaT Center for Human Genetics Tuebingen
Classification: Likely benign. Last evaluated: 2026-07-01. Review status: criteria provided, single submitter. Criteria: CeGaT Center For Human Genetics Tuebingen Variant Classification Criteria Version 2. Collection method: clinical testing. Allele origin: germline. Affected: yes. Observed: 1 variant allele.
Comment: USH2A: BP4

Ambry Genetics
Classification: Uncertain significance for Inborn genetic diseases. Last evaluated: 2025-10-21. Review status: criteria provided, single submitter. Criteria: Ambry Variant Classification Scheme 2023. Collection method: clinical testing. Allele origin: germline.

Genome-Nilou Lab
Classification: Uncertain significance for Retinitis pigmentosa 39. Last evaluated: 2023-11-04. Review status: criteria provided, single submitter. Criteria: ACMG Guidelines, 2015. Collection method: clinical testing. Allele origin: germline. Affected: no.

Genome-Nilou Lab
Classification: Uncertain significance for Usher syndrome type 2A. Last evaluated: 2023-11-04. Review status: criteria provided, single submitter. Criteria: ACMG Guidelines, 2015. Collection method: clinical testing. Allele origin: germline. Affected: no.

Labcorp Genetics (formerly Invitae), Labcorp
Classification: Uncertain significance. Last evaluated: 2022-07-29. Review status: criteria provided, single submitter. Criteria: Invitae Variant Classification Sherloc (09022015). Collection method: clinical testing. Allele origin: germline.
Comment: This sequence change replaces glutamic acid, which is acidic and polar, with lysine, which is basic and polar, at codon 5001 of the USH2A protein (p.Glu5001Lys). This variant is present in population databases (rs750887508, gnomAD 0.06%). This variant has not been reported in the literature in individuals affected with USH2A-related conditions. Algorithms developed to predict the effect of missense changes on protein structure and function output the following: SIFT: "Tolerated"; PolyPhen-2: "Benign"; Align-GVGD: "Class C0". The lysine amino acid residue is found in multiple mammalian species, which suggests that this missense change does not adversely affect protein function. In summary, the available evidence is currently insufficient to determine the role of this variant in disease. Therefore, it has been classified as a Variant of Uncertain Significance.

NM_206933.4(USH2A):c.15001G>A (p.Glu5001Lys)

Gene: USH2A (usherin; minus strand). Cytogenetic location: 1q41.
Variant type: single nucleotide variant.
Coding change: c.15001G>A on transcript NM_206933.4 (MANE Select); coding-DNA position 15001, G replaced by A.
Protein change: p.Glu5001Lys; replaces glutamic acid 5001 with lysine.
Molecular consequence: missense variant.
Genome position (GRCh38, 1-based): chr1:215,639,206, C>T on the plus strand (G>A on the coding strand, the complement: USH2A is on the minus strand). VCF-style: chr1-215639206-C-T. GRCh37 (hg19) VCF-style: chr1-215812548-C-T.
Other names: c.15001G>A (NM_206933.2); short protein forms E5001K.
Identifiers: ClinVar variation 2173643 (VCV002173643.6), dbSNP rs750887508, ClinGen allele CA1392834.